The following is an entry in ClinVar:

NM_015338.6(ASXL1):c.2694G>T (p.Trp898Cys)

Gene: ASXL1 (ASXL transcriptional regulator 1; plus strand). Cytogenetic location: 20q11.21.
Variant type: single nucleotide variant.
Coding change: c.2694G>T on transcript NM_015338.6 (MANE Select); coding-DNA position 2694, G replaced by T.
Protein change: p.Trp898Cys; replaces tryptophan 898 with cysteine.
Molecular consequence: missense variant.
Genome position (GRCh38, 1-based): chr20:32,435,406, G>T. VCF-style: chr20-32435406-G-T. GRCh37 (hg19) VCF-style: chr20-31023209-G-T.
Other names: c.2511G>T, p.Trp837Cys (NM_001363734.1); short protein forms W837C, W898C.
Identifiers: ClinVar variation 2879610 (VCV002879610.4), dbSNP rs760592730, ClinGen allele CA408560925.
Genomic context (GRCh38, chr20:32,435,406, plus strand): 5'-TGATACTAGACAAGAAAACTTGAAAACCAAGGCTCTCGTTTCTAACAGTTCTTTGCATTG[G>T]ATACCCATCCCATCGAATGATGAGGTAGTGAAACAGCCCAAACCAGAATCCAGAGAACAC-3'
Protein context (NP_056153.2, residues 888-908): KALVSNSSLH[Trp898Cys]IPIPSNDEVV

ClinVar aggregate classification (germline): Uncertain significance. Review status: criteria provided, multiple submitters, no conflicts (2 of 4 stars). 2 submissions from 2 submitters: Uncertain significance (2). Last evaluated 2025-08-22.

Conditions:
Inborn genetic diseases. Identifiers: MedGen C0950123, MeSH D030342.

Allele frequency attached by ClinVar (database versions not stated): gnomAD 0.00001.
gnomAD v4.1: 1 of 1,613,950 alleles (0.000062%); highest among the groups gnomAD compares: Non-Finnish European, 0.000085%; no homozygotes.

Submissions (2):

Ambry Genetics
Classification: Uncertain significance for Inborn genetic diseases. Last evaluated: 2025-08-22. Review status: criteria provided, single submitter. Criteria: Ambry Variant Classification Scheme 2023. Collection method: clinical testing. Allele origin: germline.
Comment: The p.W898C variant (also known as c.2694G>T), located in coding exon 13 of the ASXL1 gene, results from a G to T substitution at nucleotide position 2694. The tryptophan at codon 898 is replaced by cysteine, an amino acid with highly dissimilar properties. This amino acid position is conserved. In addition, this alteration is predicted to be tolerated by in silico analysis. Based on the available evidence, the clinical significance of this variant remains unclear.

Labcorp Genetics (formerly Invitae), Labcorp
Classification: Uncertain significance. Last evaluated: 2023-11-27. Review status: criteria provided, single submitter. Criteria: Invitae Variant Classification Sherloc (09022015). Collection method: clinical testing. Allele origin: germline.
Comment: This sequence change replaces tryptophan, which is neutral and slightly polar, with cysteine, which is neutral and slightly polar, at codon 898 of the ASXL1 protein (p.Trp898Cys). This variant is present in population databases (no rsID available, gnomAD 0.007%). This variant has not been reported in the literature in individuals affected with ASXL1-related conditions. An algorithm developed to predict the effect of missense changes on protein structure and function (PolyPhen-2) suggests that this variant is likely to be disruptive. In summary, the available evidence is currently insufficient to determine the role of this variant in disease. Therefore, it has been classified as a Variant of Uncertain Significance.